The following is an entry in ClinVar:

NC_000023.11:g.139530731A>G

Gene: F9 (coagulation factor IX; plus strand). Cytogenetic location: Xq27.1.
Variant type: single nucleotide variant.
Genome position: GRCh38 VCF-style: chrX-139530731-A-G. GRCh37 (hg19) VCF-style: chrX-138612890-A-G.
Identifiers: ClinVar variation 847127 (VCV000847127.8), dbSNP rs1927322453, ClinGen allele CA916081980.
Genomic context (GRCh38, chrX:139,530,731, plus strand): 5'-GATGGACATTATTTCCCAGAAGTAAATACAGCTCAGCTTGTACTTTGGTACAACTAATCG[A>G]CCTTACCACTTTCACAATCTGCTAGCAAAGGTTATGCAGCGCGTGAACATGATCATGGCA-3'

ClinVar aggregate classification (germline): Uncertain significance (1 of 4 stars; one submission).

Conditions:
Hereditary factor IX deficiency disease (HEMB). Also called: F9 DEFICIENCY; FACTOR IX DEFICIENCY; PLASMA THROMBOPLASTIN COMPONENT DEFICIENCY; Hemophilia B; Christmas Disease. Identifiers: Orphanet 98879, MedGen C0008533, MeSH D002836, MONDO:0010604, OMIM 306900.
Thrombophilia, X-linked, due to factor 9 defect. Identifiers: MedGen C2749016, MONDO:0010432, OMIM 300807.

Allele frequency attached by ClinVar (database versions not stated): TOPMed 0.00001.

Submission:

Labcorp Genetics (formerly Invitae), Labcorp
Classification: Uncertain significance for Thrombophilia, X-linked, due to factor 9 defect; Hereditary factor IX deficiency disease. Last evaluated: 2021-07-14. Review status: criteria provided, single submitter. Criteria: Invitae Variant Classification Sherloc (09022015). Collection method: clinical testing. Allele origin: germline.
Comment: This variant occurs in a non-coding region of the F9 gene. It does not change the encoded amino acid sequence of the F9 protein. This variant is not present in population databases (ExAC no frequency). This variant has been observed in individuals with hemophilia B (PMID: 8091381). This variant is also known as -5 A>G. Algorithms developed to predict the effect of variants on protein structure and function are not available or were not evaluated for this variant. Experimental studies have shown that this variant affects F9 protein function (PMID: 23472758). In summary, the available evidence is currently insufficient to determine the role of this variant in disease. Therefore, it has been classified as a Variant of Uncertain Significance.

Literature cited by the submitters: PubMed 8091381; PubMed 23472758.